The following is an entry in ClinVar:

NM_001289104.2(PRKCSH):c.80-7C>G

Gene: PRKCSH (PRKCSH beta subunit of glucosidase II; plus strand). Cytogenetic location: 19p13.2.
Variant type: single nucleotide variant.
Coding change: c.80-7C>G on transcript NM_001289104.2 (MANE Select); 7 bases into the intron before coding-DNA position 80, C replaced by G.
Molecular consequence: intron variant.
Genome position (GRCh38, 1-based): chr19:11,436,382, C>G. VCF-style: chr19-11436382-C-G. GRCh37 (hg19) VCF-style: chr19-11547203-C-G.
Other names: c.80-7C>G (NM_001289103.2, NM_001379609.1, NM_001379608.1 and 3 more transcripts).
Identifiers: ClinVar variation 714881 (VCV000714881.34), dbSNP rs189520103, ClinGen allele CA9212692.

ClinVar aggregate classification (germline): Benign/Likely benign. Review status: criteria provided, multiple submitters, no conflicts (2 of 4 stars). 3 submissions from 3 submitters: Benign (2); Likely benign (1). Last evaluated 2025-12-20.

Allele frequency attached by ClinVar (database versions not stated): gnomAD exomes 0.00036; ExAC 0.00040; 1000 Genomes Project 0.00120; 1000 Genomes Project 30x 0.00141; ESP Exome Variant Server 0.00146; gnomAD 0.00147 and 0.00155; TOPMed 0.00168.
gnomAD v4.1: 421 of 1,613,646 alleles (0.026%); highest among the groups gnomAD compares: African/African-American, 0.51%; 2 homozygotes.

Submissions (6):

Labcorp Genetics (formerly Invitae), Labcorp
Classification: Benign. Last evaluated: 2025-12-20. Review status: criteria provided, single submitter. Criteria: Invitae Variant Classification Sherloc (09022015). Collection method: clinical testing. Allele origin: germline.

Blueprint Genetics
Classification: Likely benign. Last evaluated: 2024-07-09. Review status: criteria provided, single submitter. Criteria: ACMG Guidelines, 2015. Collection method: clinical testing. Allele origin: germline.

CeGaT Center for Human Genetics Tuebingen
Classification: Benign. Last evaluated: 2022-08-01. Review status: criteria provided, single submitter. Criteria: CeGaT Center For Human Genetics Tuebingen Variant Classification Criteria Version 2. Collection method: clinical testing. Allele origin: germline. Affected: yes. Observed: 1 variant allele.
Comment: PRKCSH: BS1, BS2

Dr. Peter K. Rogan Lab, Western University
No classification provided (evidence only). Condition: Lung cancer. Review status: no classification provided. Collection method: in vitro. Allele origin: not applicable. Functional consequence: retained intron. Not counted in ClinVar's aggregate classification.

Dr. Peter K. Rogan Lab, Western University
No classification provided (evidence only). Condition: Familial cancer of breast. Review status: no classification provided. Collection method: in vitro. Allele origin: not applicable. Functional consequence: retained intron. Not counted in ClinVar's aggregate classification.

Dr. Peter K. Rogan Lab, Western University
No classification provided (evidence only). Condition: Uterine corpus endometrial carcinoma. Review status: no classification provided. Collection method: in vitro. Allele origin: not applicable. Functional consequence: retained intron. Not counted in ClinVar's aggregate classification.